The following is an entry in ClinVar:

ClinVar aggregate classification (germline): Benign. Review status: criteria provided, multiple submitters, no conflicts (2 of 4 stars). 4 submissions from 4 submitters: Benign (3). 1 of the submissions does not count toward it. Last evaluated 2026-02-03.

Conditions:
FAT2-related disorder. Also called: FAT2-related condition.
Spinocerebellar ataxia 45. Identifiers: Orphanet 589527, MedGen C4540400, MONDO:0033480, OMIM 617769.

Allele frequency attached by ClinVar (database versions not stated): ExAC 0.86062; gnomAD exomes 0.82386 and 0.86202; gnomAD 0.86222 and 0.86047; TOPMed 0.87293; 1000 Genomes Project 0.91194; 1000 Genomes Project 30x 0.91255; ESP Exome Variant Server 0.85230.
gnomAD v4.1: 1,310,689 of 1,582,430 alleles (83%); highest among the groups gnomAD compares: East Asian, 99%; 544,742 homozygotes.

Submissions (4):

Labcorp Genetics (formerly Invitae), Labcorp
Classification: Benign. Last evaluated: 2026-02-03. Review status: criteria provided, single submitter. Criteria: Invitae Variant Classification Sherloc (09022015). Collection method: clinical testing. Allele origin: germline.

Genome-Nilou Lab
Classification: Benign for Spinocerebellar ataxia 45. Last evaluated: 2021-08-10. Review status: criteria provided, single submitter. Criteria: ACMG Guidelines, 2015. Collection method: clinical testing. Allele origin: germline. Affected: no.

GeneDx
Classification: Benign. Last evaluated: 2021-05-04. Review status: criteria provided, single submitter. Criteria: GeneDx Variant Classification Process June 2021. Collection method: clinical testing. Allele origin: germline. Affected: yes.

PreventionGenetics, part of Exact Sciences
Classification: Benign for FAT2-related condition. Last evaluated: 2019-07-08. Review status: no assertion criteria provided. Collection method: clinical testing. Allele origin: germline. Not counted in ClinVar's aggregate classification.
Comment: This variant is classified as benign based on ACMG/AMP sequence variant interpretation guidelines (Richards et al. 2015 PMID: 25741868, with internal and published modifications).

NM_001447.3(FAT2):c.12507C>T (p.Ser4169=)

Genes: FAT2 (FAT atypical cadherin 2; minus strand), SLC36A1 (solute carrier family 36 member 1; plus strand). Cytogenetic location: 5q33.1.
Variant type: single nucleotide variant.
Coding change: c.12507C>T on transcript NM_001447.3 (MANE Select); coding-DNA position 12507, C replaced by T.
Protein change: p.Ser4169=; no amino-acid change (serine 4169 retained).
Molecular consequence: synonymous variant.
Genome position (GRCh38, 1-based): chr5:151,507,164, G>A on the plus strand (C>T on the coding strand, the complement: FAT2 is on the minus strand). VCF-style: chr5-151507164-G-A. GRCh37 (hg19) VCF-style: chr5-150886725-G-A.
Identifiers: ClinVar variation 1220679 (VCV001220679.11), dbSNP rs7723266, ClinGen allele CA3519770.
Genomic context (GRCh38, chr5:151,507,164, plus strand): 5'-CCACCCACTTCCATCAATCCCAGAGGCTAAGCGTCTCTGGCTATACTGACCCATCTCCTC[G>A]CTGGACCAGGTTCTCTTAATGACAGGCTCATTGTCAGAGTGGGAAGGGACCGCAGCTGGC-3'
Protein context (NP_001438.1, residues 4159-4179): NEPVIKRTWS[Ser4169=]EEMVYPGGAM